The following is an entry in ClinVar:

NM_000481.4(AMT):c.125A>G (p.His42Arg)

Gene: AMT (aminomethyltransferase; minus strand). Cytogenetic location: 3p21.31.
Variant type: single nucleotide variant.
Coding change: c.125A>G on transcript NM_000481.4 (MANE Select); coding-DNA position 125, A replaced by G.
Protein change: p.His42Arg; replaces histidine 42 with arginine.
Molecular consequence: missense variant. On other transcripts: non-coding transcript variant (1), intron variant (1).
Genome position (GRCh38, 1-based): chr3:49,422,237, T>C on the plus strand (A>G on the coding strand, the complement: AMT is on the minus strand). VCF-style: chr3-49422237-T-C. GRCh37 (hg19) VCF-style: chr3-49459670-T-C.
Other names: c.125A>G (NM_000481.3); c.125A>G, p.His42Arg (NM_001164710.2, NM_001164712.2); c.90+124A>G (NM_001164711.2); short protein forms H42R.
Identifiers: ClinVar variation 11976 (VCV000011976.9), dbSNP rs121964983, ClinGen allele CA341155.
Genomic context (GRCh38, chr3:49,422,237, plus strand): 5'-CGGTACTGCACTGGCAGACTCCAACCCGCAAACGCCACCATTTTCCCGCCGTGGGCCAGG[T>C]GGAAGTCATAGAGCGGTGTCCTGCGGAGCACCTCCTGTGGGCGGCTGGGCTTAGTGCCAC-3'
Protein context (NP_000472.2, residues 32-52): VLRRTPLYDF[His42Arg]LAHGGKMVAF

ClinVar aggregate classification (germline): Conflicting classifications of pathogenicity. Review status: criteria provided, conflicting classifications (1 of 4 stars). 6 submissions from 6 submitters: Pathogenic (1); Likely pathogenic (2); Uncertain significance (1). 2 of the submissions do not count toward it. Last evaluated 2026-03-09.

Conditions:
Glycine encephalopathy 1 (GCE1). Identifiers: MedGen CN376801, MONDO:0958179, OMIM 605899.
Glycine encephalopathy 2 (GCE2). Identifiers: MedGen C5830559, MONDO:0958192, OMIM 620398.
Glycine encephalopathy. Also called: Nonketotic hyperglycinemia; Non-ketotic hyperglycinemia. Identifiers: Orphanet 407, MedGen C0751748, MONDO:0011612, HP:0008288.

Submissions (6):

Myriad Genetics, Inc.
Classification: Uncertain significance for Glycine encephalopathy 2. Last evaluated: 2026-03-09. Review status: criteria provided, single submitter. Criteria: Myriad Autosomal Dominant, Autosomal Recessive and X-Linked Classification Criteria (2023). Collection method: clinical testing. Allele origin: unknown.
Comment: NM_000481.3(AMT):c.125A>G(H42R) is a missense variant classified as a variant of uncertain significance in the context of glycine encephalopathy, AMT-related. H42R has been observed in cases with relevant disease (PMID: 16450403, 9600239, 18174652, 20852892). Relevant functional assessments of this variant are not available in the literature. H42R has not been observed in referenced population frequency databases. In summary, there is insufficient evidence to classify NM_000481.3(AMT):c.125A>G(H42R) as pathogenic or benign. Please note: this variant was assessed in the context of healthy population screening.

Natera, Inc.
Classification: Likely pathogenic for Non-ketotic hyperglycinemia. Last evaluated: 2025-04-29. Review status: criteria provided, single submitter. Criteria: Natera Variant Classification Schema (03/2026). Collection method: clinical testing. Allele origin: germline.
Comment: The c.125A>G variant in AMT is a missense variant predicted to cause substitution of histidine to arginine at amino acid 42. This variant is rare in the general population with a frequency below the threshold expected for the associated phenotype(s). This variant has been observed in one or more individuals affected with the associated recessive disease, as either homozygous or compound heterozygous with a second variant (PMID: 9600239, 10451514). This variant has been observed to segregate in affected family members (PMID: 9600239, 10451514). Computational prediction algorithms indicate this variant is likely to affect gene or protein function. Given the available evidence, this variant is classified as Likely Pathogenic.

Women's Health and Genetics/Laboratory Corporation of America, LabCorp
Classification: Pathogenic for Glycine encephalopathy. Last evaluated: 2024-08-16. Review status: criteria provided, single submitter. Criteria: LabCorp Variant Classification Summary - May 2015. Collection method: clinical testing. Allele origin: germline.
Comment: Variant summary: AMT c.125A>G (p.His42Arg) results in a non-conservative amino acid change located in the Aminomethyltransferase, folate-binding domain (IPR006222) of the encoded protein sequence. Five of five in-silico tools predict a damaging effect of the variant on protein function. The variant was absent in 251328 control chromosomes. c.125A>G has been reported in the literature in multiple individuals, including at least 5 members of a large family affected with Glycine Encephalopathy (Non-Ketotic Hyperglycinemia) (e.g., Kure_1998). These data indicate that the variant is very likely to be associated with disease. To our knowledge, no experimental evidence demonstrating an impact on protein function has been reported. The following publication has been ascertained in the context of this evaluation (PMID: 9600239). ClinVar contains an entry for this variant (Variation ID: 11976). Based on the evidence outlined above, the variant was classified as pathogenic.

Baylor Genetics
Classification: Likely pathogenic for Glycine encephalopathy 1. Last evaluated: 2023-11-08. Review status: criteria provided, single submitter. Criteria: ACMG Guidelines, 2015. Collection method: clinical testing. Allele origin: unknown.

OMIM
Classification: Pathogenic for GLYCINE ENCEPHALOPATHY 2. Last evaluated: 1998-04-01. Review status: no assertion criteria provided. Collection method: literature only. Allele origin: germline. Not counted in ClinVar's aggregate classification.

GeneReviews
No classification provided. Condition: Glycine encephalopathy. Review status: no classification provided. Collection method: literature only. Allele origin: unknown. Not counted in ClinVar's aggregate classification.

Literature cited by the submitters: PubMed 16450403 (cited by Myriad Genetics, Inc.); PubMed 18174652 (cited by Myriad Genetics, Inc.); PubMed 20852892 (cited by Myriad Genetics, Inc.); PubMed 9600239 (cited by 5 submitters); PubMed 10451514 (cited by Natera, Inc.); PubMed 20301531 (cited by GeneReviews); NCBI Bookshelf NBK1357 (cited by GeneReviews).